The following is an entry in ClinVar:

ClinVar aggregate classification (germline): Likely benign. Review status: criteria provided, multiple submitters, no conflicts (2 of 4 stars). 2 submissions from 2 submitters: Likely benign (2). Last evaluated 2025-07-07.

Conditions:
Mitochondrial complex II deficiency, nuclear type 1. Also called: SUCCINATE CoQ REDUCTASE DEFICIENCY. Identifiers: Orphanet 3208, MedGen C5700310, MONDO:0100294, OMIM 252011.
Pheochromocytoma/paraganglioma syndrome 5. Also called: Paragangliomas 5; SDHA-Related Hereditary Paraganglioma-Pheochromocytoma Syndrome. Identifiers: Orphanet 29072, MedGen C3279992, MONDO:0013602, OMIM 614165.

Allele frequency attached by ClinVar (database versions not stated): gnomAD exomes below 0.00001; gnomAD 0.00001.

Submissions (2):

Labcorp Genetics (formerly Invitae), Labcorp
Classification: Likely benign for Pheochromocytoma/paraganglioma syndrome 5; Mitochondrial complex II deficiency, nuclear type 1. Last evaluated: 2025-07-07. Review status: criteria provided, single submitter. Criteria: Invitae Variant Classification Sherloc (09022015). Collection method: clinical testing. Allele origin: germline.

Myriad Genetics, Inc.
Classification: Likely benign for Pheochromocytoma/paraganglioma syndrome 5. Last evaluated: 2025-03-10. Review status: criteria provided, single submitter. Criteria: Myriad Autosomal Dominant, Autosomal Recessive and X-Linked Classification Criteria (2023). Collection method: clinical testing. Allele origin: unknown.
Comment: This variant is considered likely benign. This variant is intronic and is not expected to impact mRNA splicing.

NM_004168.4(SDHA):c.1552-17A>T

Gene: SDHA (succinate dehydrogenase complex flavoprotein subunit A; plus strand). Cytogenetic location: 5p15.33.
Variant type: single nucleotide variant.
Coding change: c.1552-17A>T on transcript NM_004168.4 (MANE Select); 17 bases into the intron before coding-DNA position 1552, A replaced by T.
Molecular consequence: intron variant.
Genome position (GRCh38, 1-based): chr5:250,975, A>T. VCF-style: chr5-250975-A-T. GRCh37 (hg19) VCF-style: chr5-251090-A-T.
Other names: c.1552-3418A>T (NM_001330758.2); c.1408-17A>T (NM_001294332.2).
Identifiers: ClinVar variation 2930105 (VCV002930105.4), dbSNP rs1736783690, ClinGen allele CA1072371951.